The following is an entry in ClinVar:

NM_001614.5(ACTG1):c.417G>C (p.Val139=)

Gene: ACTG1 (actin gamma 1; minus strand). Cytogenetic location: 17q25.3.
Variant type: single nucleotide variant.
Coding change: c.417G>C on transcript NM_001614.5 (MANE Select); coding-DNA position 417, G replaced by C.
Protein change: p.Val139=; no amino-acid change (valine 139 retained).
Molecular consequence: synonymous variant. On other transcripts: non-coding transcript variant (1).
Genome position (GRCh38, 1-based): chr17:81,511,573, C>G on the plus strand (G>C on the coding strand, the complement: ACTG1 is on the minus strand). VCF-style: chr17-81511573-C-G. GRCh37 (hg19) VCF-style: chr17-79478599-C-G.
Other names: c.417G>C, p.Val139= (NM_001199954.3).
Identifiers: ClinVar variation 1328787 (VCV001328787.6), dbSNP rs1367861495, ClinGen allele CA502419512.

ClinVar aggregate classification (germline): Conflicting classifications of pathogenicity. Review status: criteria provided, conflicting classifications (1 of 4 stars). 2 submissions from 2 submitters: Uncertain significance (1); Likely benign (1). Last evaluated 2025-03-11.

Conditions:
Baraitser-winter syndrome 2. Identifiers: Orphanet 2995, MedGen C3281235, MONDO:0013812, OMIM 614583.
Autosomal dominant nonsyndromic hearing loss 20. Identifiers: Orphanet 90635, MedGen C1858172, MONDO:0011480, OMIM 604717.

Allele frequency attached by ClinVar (database versions not stated): gnomAD exomes below 0.00001; gnomAD 0.00001; TOPMed 0.00002.
gnomAD v4.1: 2 of 1,613,698 alleles (0.00012%); highest among the groups gnomAD compares: African/African-American, 0.0027%; no homozygotes.

Submissions (2):

Labcorp Genetics (formerly Invitae), Labcorp
Classification: Likely benign for Baraitser-winter syndrome 2; Autosomal dominant nonsyndromic hearing loss 20. Last evaluated: 2025-03-11. Review status: criteria provided, single submitter. Criteria: Invitae Variant Classification Sherloc (09022015). Collection method: clinical testing. Allele origin: germline.

GeneDx
Classification: Uncertain significance. Last evaluated: 2021-06-15. Review status: criteria provided, single submitter. Criteria: GeneDx Variant Classification Process June 2021. Collection method: clinical testing. Allele origin: germline. Affected: yes.
Comment: Has not been previously published as pathogenic or benign to our knowledge; In silico analysis supports that this variant does not alter splicing; This variant is associated with the following publications: (PMID: 27535533)